The following is an entry in ClinVar:

NM_006642.5(SDCCAG8):c.1933T>A (p.Leu645Met)

Gene: SDCCAG8 (SHH signaling and ciliogenesis regulator SDCCAG8; plus strand). Cytogenetic location: 1q43.
Variant type: single nucleotide variant.
Coding change: c.1933T>A on transcript NM_006642.5 (MANE Select); coding-DNA position 1933, T replaced by A.
Protein change: p.Leu645Met; replaces leucine 645 with methionine.
Molecular consequence: missense variant.
Genome position (GRCh38, 1-based): chr1:243,426,506, T>A. VCF-style: chr1-243426506-T-A. GRCh37 (hg19) VCF-style: chr1-243589808-T-A.
Other names: c.1030T>A, p.Leu344Met (NM_001350246.2, NM_001350247.2, NM_001350251.2); c.2029T>A, p.Leu677Met (NM_001350248.2); c.1639T>A, p.Leu547Met (NM_001350249.2); short protein forms L344M, L547M, L645M, L677M.
Identifiers: ClinVar variation 1980598 (VCV001980598.4), dbSNP rs181033600, ClinGen allele CA41009609.
Genomic context (GRCh38, chr1:243,426,506, plus strand): 5'-AGTCAAGAAAAAAGGTATACATATGATAAATTGGGAAAGTTACAGAGAAGAAATGAAGAA[T>A]TGGAGGAACAGTGTGTCCAGCATGGGAGAGTACATGAGACGATGAAGCAAAGGTAATCAA-3'
Protein context (NP_006633.1, residues 635-655): LGKLQRRNEE[Leu645Met]EEQCVQHGRV

ClinVar aggregate classification (germline): Uncertain significance (1 of 4 stars; one submission).

Conditions:
Bardet-Biedl syndrome 16 (BBS16). Identifiers: Orphanet 110, MedGen C3889474, MONDO:0014444, OMIM 615993.
Senior-Loken syndrome 7 (SLSN7). Identifiers: Orphanet 3156, MedGen C3150877, MONDO:0013326, OMIM 613615.

Allele frequency attached by ClinVar (database versions not stated): gnomAD exomes below 0.00001; 1000 Genomes Project 30x 0.00016; 1000 Genomes Project 0.00020.
gnomAD v4.1: 1 of 1,613,920 alleles (0.000062%); highest among the groups gnomAD compares: African/African-American, 0.0013%; no homozygotes.

Submission:

Labcorp Genetics (formerly Invitae), Labcorp
Classification: Uncertain significance for Bardet-Biedl syndrome 16; Senior-Loken syndrome 7. Last evaluated: 2024-02-24. Review status: criteria provided, single submitter. Criteria: Invitae Variant Classification Sherloc (09022015). Collection method: clinical testing. Allele origin: germline.
Comment: This sequence change replaces leucine, which is neutral and non-polar, with methionine, which is neutral and non-polar, at codon 645 of the SDCCAG8 protein (p.Leu645Met). This variant is not present in population databases (gnomAD no frequency). This variant has not been reported in the literature in individuals affected with SDCCAG8-related conditions. ClinVar contains an entry for this variant (Variation ID: 1980598). Advanced modeling of protein sequence and biophysical properties (such as structural, functional, and spatial information, amino acid conservation, physicochemical variation, residue mobility, and thermodynamic stability) performed at Invitae indicates that this missense variant is not expected to disrupt SDCCAG8 protein function with a negative predictive value of 80%. In summary, the available evidence is currently insufficient to determine the role of this variant in disease. Therefore, it has been classified as a Variant of Uncertain Significance.